The following is an entry in ClinVar:

NM_000027.4(AGA):c.390G>C (p.Glu130Asp)

Gene: AGA (aspartylglucosaminidase; minus strand). Cytogenetic location: 4q34.3.
Variant type: single nucleotide variant.
Coding change: c.390G>C on transcript NM_000027.4 (MANE Select); coding-DNA position 390, G replaced by C.
Protein change: p.Glu130Asp; replaces glutamic acid 130 with aspartic acid.
Molecular consequence: missense variant. On other transcripts: non-coding transcript variant (1).
Genome position (GRCh38, 1-based): chr4:177,439,580, C>G on the plus strand (G>C on the coding strand, the complement: AGA is on the minus strand). VCF-style: chr4-177439580-C-G. GRCh37 (hg19) VCF-style: chr4-178360734-C-G.
Other names: c.390G>C, p.Glu130Asp (NM_001171988.2); short protein forms E130D.
Identifiers: ClinVar variation 957544 (VCV000957544.11), dbSNP rs770240412, ClinGen allele CA3146941.

ClinVar aggregate classification (germline): Uncertain significance. Review status: criteria provided, multiple submitters, no conflicts (2 of 4 stars). 3 submissions from 3 submitters: Uncertain significance (2). 1 of the submissions does not count toward it. Last evaluated 2021-08-31.

Conditions:
Aspartylglucosaminuria (AGU). Also called: AGA DEFICIENCY; Aspartylglucos-aminuria; Aspartylglucos-amidase (AGA) deficiency; GLYCOASPARAGINASE; GLYCOSYLASPARAGINASE DEFICIENCY. Identifiers: Orphanet 93, MedGen C0268225, MONDO:0008830, OMIM 208400, HP:0012068.

Allele frequency attached by ClinVar (database versions not stated): TOPMed below 0.00001; ExAC 0.00001; gnomAD exomes 0.00001 and 0.00003.
gnomAD v4.1: 42 of 1,610,174 alleles (0.0026%); highest among the groups gnomAD compares: Non-Finnish European, 0.0033%; no homozygotes.

Submissions (3):

Labcorp Genetics (formerly Invitae), Labcorp
Classification: Uncertain significance for Aspartylglucosaminuria. Last evaluated: 2021-08-31. Review status: criteria provided, single submitter. Criteria: Invitae Variant Classification Sherloc (09022015). Collection method: clinical testing. Allele origin: germline.
Comment: This sequence change replaces glutamic acid with aspartic acid at codon 130 of the AGA protein (p.Glu130Asp). The glutamic acid residue is moderately conserved and there is a small physicochemical difference between glutamic acid and aspartic acid. This variant is present in population databases (rs770240412, ExAC 0.001%). This variant has not been reported in the literature in individuals affected with AGA-related conditions. Algorithms developed to predict the effect of missense changes on protein structure and function output the following: SIFT: "Tolerated"; PolyPhen-2: "Benign"; Align-GVGD: "Class C0". The aspartic acid amino acid residue is found in multiple mammalian species, which suggests that this missense change does not adversely affect protein function. In summary, the available evidence is currently insufficient to determine the role of this variant in disease. Therefore, it has been classified as a Variant of Uncertain Significance.

Department of Pathology and Laboratory Medicine, Sinai Health System
Classification: Uncertain significance for aspartylglucosaminuria. Last evaluated: 2021-07-30. Review status: criteria provided, single submitter. Criteria: ACMG Guidelines, 2015. Collection method: research. Allele origin: germline.

Natera, Inc.
Classification: Uncertain significance for Aspartylglucosaminuria. Last evaluated: 2020-08-10. Review status: no assertion criteria provided. Collection method: clinical testing. Allele origin: germline. Not counted in ClinVar's aggregate classification.